The following is an entry in ClinVar:

ClinVar aggregate classification (germline): Uncertain significance (1 of 4 stars; one submission).

Submission:

GeneDx
Classification: Uncertain significance. Last evaluated: 2023-03-31. Review status: criteria provided, single submitter. Criteria: GeneDx Variant Classification Process June 2021. Collection method: clinical testing. Allele origin: germline. Affected: yes.
Comment: Has not been previously published as pathogenic or benign to our knowledge; Not observed at significant frequency in large population cohorts (gnomAD); In silico analysis supports that this missense variant does not alter protein structure/function; Variants in candidate genes are classified as variants of uncertain significance in accordance with ACMG guidelines (Richards et al., 2015)

NM_012308.3(KDM2A):c.2119A>G (p.Ser707Gly)

Gene: KDM2A (lysine demethylase 2A; plus strand). Cytogenetic location: 11q13.2.
Variant type: single nucleotide variant.
Coding change: c.2119A>G on transcript NM_012308.3 (MANE Select); coding-DNA position 2119, A replaced by G.
Protein change: p.Ser707Gly; replaces serine 707 with glycine.
Molecular consequence: missense variant. On other transcripts: non-coding transcript variant (1).
Genome position (GRCh38, 1-based): chr11:67,250,149, A>G. VCF-style: chr11-67250149-A-G. GRCh37 (hg19) VCF-style: chr11-67017620-A-G.
Other names: c.802A>G, p.Ser268Gly (NM_001256405.2); short protein forms S268G, S707G.
Identifiers: ClinVar variation 4526995 (VCV004526995.1).
Genomic context (GRCh38, chr11:67,250,149, plus strand): 5'-CGGAAAATGGAAGAGAGTGACGAAGAAGCTGTGCAAGCCAAAGTCCTGCGGCCCCTGCGG[A>G]GCTGCGATGAGCCTCTCACGCCCCCGCCTCATTCACCCACTTCCATGCTGCAGCTCATCC-3'
Protein context (NP_036440.1, residues 697-717): VQAKVLRPLR[Ser707Gly]CDEPLTPPPH